The following is an entry in ClinVar:

ClinVar aggregate classification (germline): Uncertain significance (1 of 4 stars; one submission).

Allele frequency attached by ClinVar (database versions not stated): gnomAD exomes below 0.00001 and 0.00001; gnomAD 0.00003 and 0.00004; TOPMed 0.00003.
gnomAD v4.1: 9 of 1,613,974 alleles (0.00056%); highest among the groups gnomAD compares: Admixed American, 0.012%; no homozygotes.

Submission:

Labcorp Genetics (formerly Invitae), Labcorp
Classification: Uncertain significance. Last evaluated: 2025-09-10. Review status: criteria provided, single submitter. Criteria: Invitae Variant Classification Sherloc (09022015). Collection method: clinical testing. Allele origin: germline.
Comment: This sequence change replaces asparagine, which is neutral and polar, with serine, which is neutral and polar, at codon 788 of the CSF1R protein (p.Asn788Ser). This variant is present in population databases (no rsID available, gnomAD 0.006%). This variant has not been reported in the literature in individuals affected with CSF1R-related conditions. ClinVar contains an entry for this variant (Variation ID: 1406939). Invitae Evidence Modeling of protein sequence and biophysical properties (such as structural, functional, and spatial information, amino acid conservation, physicochemical variation, residue mobility, and thermodynamic stability) indicates that this missense variant is not expected to disrupt CSF1R protein function with a negative predictive value of 95%. In summary, the available evidence is currently insufficient to determine the role of this variant in disease. Therefore, it has been classified as a Variant of Uncertain Significance.

NM_001288705.3(CSF1R):c.2363A>G (p.Asn788Ser)

Gene: CSF1R (colony stimulating factor 1 receptor; minus strand). Cytogenetic location: 5q32.
Variant type: single nucleotide variant.
Coding change: c.2363A>G on transcript NM_001288705.3 (MANE Select); coding-DNA position 2363, A replaced by G.
Protein change: p.Asn788Ser; replaces asparagine 788 with serine.
Molecular consequence: missense variant. On other transcripts: non-coding transcript variant (2).
Genome position (GRCh38, 1-based): chr5:150,056,298, T>C on the plus strand (A>G on the coding strand, the complement: CSF1R is on the minus strand). VCF-style: chr5-150056298-T-C. GRCh37 (hg19) VCF-style: chr5-149435861-T-C.
Other names: c.2363A>G, p.Asn788Ser (NM_001349736.2, NM_001375320.1, NM_005211.4); c.1919A>G, p.Asn640Ser (NM_001375321.1); short protein forms N788S, N640S.
Identifiers: ClinVar variation 1406939 (VCV001406939.6), dbSNP rs1334523482, ClinGen allele CA361758948.